The following is an entry in ClinVar:

ClinVar aggregate classification (germline): Uncertain significance (0 of 4 stars; one submission).

Conditions:
MEPE-related disorder. Also called: MEPE-related condition.

Allele frequency attached by ClinVar (database versions not stated): TOPMed 0.00004; gnomAD 0.00005; gnomAD exomes 0.00005; ExAC 0.00006; ESP Exome Variant Server 0.00008; 1000 Genomes Project 30x 0.00016; 1000 Genomes Project 0.00020.

Submission:

PreventionGenetics, part of Exact Sciences
Classification: Uncertain significance for MEPE-related condition. Last evaluated: 2023-12-06. Review status: no assertion criteria provided. Collection method: clinical testing. Allele origin: germline.
Comment: The MEPE c.523G>A variant is predicted to result in the amino acid substitution p.Ala175Thr. To our knowledge, this variant has not been reported in the literature. This variant is reported in 0.012% of alleles in individuals of European (Non-Finnish) descent in gnomAD. At this time, the clinical significance of this variant is uncertain due to the absence of conclusive functional and genetic evidence.

NM_020203.6(MEPE):c.430G>A (p.Ala144Thr)

Genes: MEPE (matrix extracellular phosphoglycoprotein; plus strand), MEPE-AS1 (MEPE and IBSP antisense RNA 1; minus strand). Cytogenetic location: 4q22.1.
Variant type: single nucleotide variant.
Coding change: c.430G>A on transcript NM_020203.6 (MANE Select); coding-DNA position 430, G replaced by A.
Protein change: p.Ala144Thr; replaces alanine 144 with threonine.
Molecular consequence: missense variant.
Genome position (GRCh38, 1-based): chr4:87,845,298, G>A. VCF-style: chr4-87845298-G-A. GRCh37 (hg19) VCF-style: chr4-88766450-G-A.
Other names: c.430G>A, p.Ala144Thr (NM_001184694.3); c.91G>A, p.Ala31Thr (NM_001184695.4, NM_001184696.2, NM_001184697.2); c.523G>A, p.Ala175Thr (NM_001291183.2); short protein forms A144T, A175T, A31T.
Identifiers: ClinVar variation 3032999 (VCV003032999.2), dbSNP rs148637496, ClinGen allele CA3002653.